The following is an entry in ClinVar:

ClinVar aggregate classification (germline): conflicting data from submitters (0 of 4 stars; one submission).

Submission:

ISCA site 1
Classification: conflicting data from submitters. Last evaluated: 2010-12-22. Review status: no assertion criteria provided. Collection method: clinical testing. Allele origin: maternal. Affected: yes. Observed: 2 variant alleles.
Comment: Uncertain significance(1), Benign (1)

Copy number variation identified through the course of routine clinical cytogenomic testing in postnatal populations, with clinical assertions as classified by the original submitter. For data from the original published study, Kaminsky, et al. 2011 (PubMed 21844811), please see nstd101.

GRCh38/hg38 2p25.3(chr2:1784717-2305267)x3

Genes: MYT1L (myelin transcription factor 1 like; minus strand), LOC129932982 (ATAC-STARR-seq lymphoblastoid silent region 11104; plus strand). Cytogenetic location: 2p25.3.
Variant type: copy number gain.
Change: copy number 3 (three copies instead of two) of chr2:1,784,717-2,305,267 (520.6 kb, GRCh38 coordinates, 1-based), cytogenetic band 2p25.3.
Identifiers: ClinVar variation 146412 (VCV000146412.2).